The following is an entry in ClinVar:

NM_001363.5(DKC1):c.666T>A (p.Ala222=)

Gene: DKC1 (dyskerin pseudouridine synthase 1; plus strand). Cytogenetic location: Xq28.
Variant type: single nucleotide variant.
Coding change: c.666T>A on transcript NM_001363.5 (MANE Select); coding-DNA position 666, T replaced by A.
Protein change: p.Ala222=; no amino-acid change (alanine 222 retained).
Molecular consequence: synonymous variant. On other transcripts: non-coding transcript variant (3).
Genome position (GRCh38, 1-based): chrX:154,768,327, T>A. VCF-style: chrX-154768327-T-A. GRCh37 (hg19) VCF-style: chrX-153996602-T-A.
Other names: c.666T>A, p.Ala222= (NM_001142463.3, NM_001288747.2).
Identifiers: ClinVar variation 3730500 (VCV003730500.2).
Genomic context (GRCh38, chrX:154,768,327, plus strand): 5'-AGGTGCTGCTTTTCTTTTGTGTGTGTGTATCTTAGGAATCTTTTGGGTGAGTTGTGAGGC[T>A]GGCACCTACATTCGGACATTATGTGTGCACCTTGGTTTGTTATTGGGAGTTGGTGGTCAG-3'
Protein context (NP_001354.1, residues 212-232): RLGIFWVSCE[Ala222=]GTYIRTLCVH

ClinVar aggregate classification (germline): Uncertain significance (1 of 4 stars; one submission).

Conditions:
Dyskeratosis congenita. Identifiers: Orphanet 1775, MedGen C0265965, MONDO:0015780.

Submission:

Labcorp Genetics (formerly Invitae), Labcorp
Classification: Uncertain significance for Dyskeratosis congenita. Last evaluated: 2024-06-13. Review status: criteria provided, single submitter. Criteria: Invitae Variant Classification Sherloc (09022015). Collection method: clinical testing. Allele origin: germline.
Comment: This sequence change affects codon 222 of the DKC1 mRNA. It is a 'silent' change, meaning that it does not change the encoded amino acid sequence of the DKC1 protein. This variant is not present in population databases (gnomAD no frequency). This variant has not been reported in the literature in individuals affected with DKC1-related conditions. Algorithms developed to predict the effect of sequence changes on RNA splicing suggest that this variant may disrupt the consensus splice site. In summary, the available evidence is currently insufficient to determine the role of this variant in disease. Therefore, it has been classified as a Variant of Uncertain Significance.